The following is an entry in ClinVar:

ClinVar aggregate classification (germline): Uncertain significance. Review status: criteria provided, multiple submitters, no conflicts (2 of 4 stars). 2 submissions from 2 submitters: Uncertain significance (2). Last evaluated 2025-04-02.

Conditions:
Inborn genetic diseases. Identifiers: MedGen C0950123, MeSH D030342.

Allele frequency attached by ClinVar (database versions not stated): TOPMed below 0.00001; gnomAD exomes 0.00001; ExAC 0.00003.
gnomAD v4.1: 8 of 1,471,566 alleles (0.00054%); highest among the groups gnomAD compares: South Asian, 0.01%; no homozygotes.

Submissions (2):

Ambry Genetics
Classification: Uncertain significance for Inborn genetic diseases. Last evaluated: 2025-04-02. Review status: criteria provided, single submitter. Criteria: Ambry Variant Classification Scheme 2023. Collection method: clinical testing. Allele origin: germline.

Labcorp Genetics (formerly Invitae), Labcorp
Classification: Uncertain significance. Last evaluated: 2022-09-07. Review status: criteria provided, single submitter. Criteria: Invitae Variant Classification Sherloc (09022015). Collection method: clinical testing. Allele origin: germline.
Comment: This sequence change replaces asparagine, which is neutral and polar, with tyrosine, which is neutral and polar, at codon 319 of the PPA2 protein (p.Asn319Tyr). This variant is present in population databases (rs746822741, gnomAD 0.01%). In summary, the available evidence is currently insufficient to determine the role of this variant in disease. Therefore, it has been classified as a Variant of Uncertain Significance. Algorithms developed to predict the effect of missense changes on protein structure and function (SIFT, PolyPhen-2, Align-GVGD) all suggest that this variant is likely to be tolerated. ClinVar contains an entry for this variant (Variation ID: 1502152). This variant has not been reported in the literature in individuals affected with PPA2-related conditions.

NM_176869.3(PPA2):c.955A>T (p.Asn319Tyr)

Gene: PPA2 (inorganic pyrophosphatase 2; minus strand). Cytogenetic location: 4q24.
Variant type: single nucleotide variant.
Coding change: c.955A>T on transcript NM_176869.3 (MANE Select); coding-DNA position 955, A replaced by T.
Protein change: p.Asn319Tyr; replaces asparagine 319 with tyrosine.
Molecular consequence: missense variant.
Genome position (GRCh38, 1-based): chr4:105,370,858, T>A on the plus strand (A>T on the coding strand, the complement: PPA2 is on the minus strand). VCF-style: chr4-105370858-T-A. GRCh37 (hg19) VCF-style: chr4-106292015-T-A.
Other names: c.868A>T, p.Asn290Tyr (NM_006903.4); c.649A>T, p.Asn217Tyr (NM_176866.2); c.457A>T, p.Asn153Tyr (NM_176867.3); c.955A>T (NM_176869.2); short protein forms N319Y, N217Y, N290Y, N153Y.
Identifiers: ClinVar variation 1502152 (VCV001502152.7), dbSNP rs746822741, ClinGen allele CA3032343.